The following is an entry in ClinVar:

NM_004380.3(CREBBP):c.3505C>T (p.Arg1169Cys)

Gene: CREBBP (CREB binding lysine acetyltransferase; minus strand). Cytogenetic location: 16p13.3.
Variant type: single nucleotide variant.
Coding change: c.3505C>T on transcript NM_004380.3 (MANE Select); coding-DNA position 3505, C replaced by T.
Protein change: p.Arg1169Cys; replaces arginine 1169 with cysteine.
Molecular consequence: missense variant.
Genome position (GRCh38, 1-based): chr16:3,757,913, G>A on the plus strand (C>T on the coding strand, the complement: CREBBP is on the minus strand). VCF-style: chr16-3757913-G-A. GRCh37 (hg19) VCF-style: chr16-3807914-G-A.
Other names: c.3505C>T (NM_004380.2); c.3391C>T, p.Arg1131Cys (NM_001079846.1); short protein forms R1131C, R1169C.
Identifiers: ClinVar variation 4747493 (VCV004747493.3).

ClinVar aggregate classification (germline): Uncertain significance. Review status: criteria provided, multiple submitters, no conflicts (2 of 4 stars). 3 submissions from 3 submitters: Uncertain significance (3). Last evaluated 2026-01-29.

Conditions:
Rubinstein-Taybi syndrome (RSTS). Identifiers: Orphanet 783, MedGen C0035934, MONDO:0019188.
CREBBP-related disorder. Also called: CREBBP-related condition; CREBBP-related disorders.

gnomAD v4.1: 1 of 1,614,050 alleles (0.000062%); highest among the groups gnomAD compares: Non-Finnish European, 0.000085%; no homozygotes.

Submissions (3):

Labcorp Genetics (formerly Invitae), Labcorp
Classification: Uncertain significance for Rubinstein-Taybi syndrome. Last evaluated: 2026-01-29. Review status: criteria provided, single submitter. Criteria: Invitae Variant Classification Sherloc (09022015). Collection method: clinical testing. Allele origin: germline.
Comment: This sequence change replaces arginine, which is basic and polar, with cysteine, which is neutral and slightly polar, at codon 1169 of the CREBBP protein (p.Arg1169Cys). This variant is not present in population databases (gnomAD no frequency). This variant has not been reported in the literature in individuals affected with CREBBP-related conditions. Invitae Evidence Modeling of protein sequence and biophysical properties (such as structural, functional, and spatial information, amino acid conservation, physicochemical variation, residue mobility, and thermodynamic stability) indicates that this missense variant is expected to disrupt CREBBP protein function with a positive predictive value of 80%. In summary, the available evidence is currently insufficient to determine the role of this variant in disease. Therefore, it has been classified as a Variant of Uncertain Significance.

PreventionGenetics, part of Exact Sciences
Classification: Uncertain significance for CREBBP-related condition. Last evaluated: 2025-08-13. Review status: criteria provided, single submitter. Criteria: ACMG Guidelines, 2015. Collection method: clinical testing. Allele origin: germline.
Comment: The CREBBP c.3505C>T variant is predicted to result in the amino acid substitution p.Arg1169Cys. To our knowledge, this variant has not been reported in the literature in association with CREBBP-related diseases or in a large population database (gnomAD), indicating this variant is rare. At this time, the clinical significance of this variant is uncertain due to the absence of conclusive functional and genetic evidence.

Blueprint Genetics
Classification: Uncertain significance. Last evaluated: 2021-10-03. Review status: criteria provided, single submitter. Criteria: ACMG Guidelines, 2015. Collection method: clinical testing. Allele origin: germline.